The following is an entry in ClinVar:

ClinVar aggregate classification (germline): Uncertain significance (1 of 4 stars; one submission).

Allele frequency attached by ClinVar (database versions not stated): gnomAD exomes below 0.00001 and 0.00001; ExAC 0.00001; gnomAD 0.00001; TOPMed 0.00001.
gnomAD v4.1: 10 of 1,612,278 alleles (0.00062%); highest among the groups gnomAD compares: Middle Eastern, 0.021%; no homozygotes.

Submission:

Labcorp Genetics (formerly Invitae), Labcorp
Classification: Uncertain significance. Last evaluated: 2022-03-10. Review status: criteria provided, single submitter. Criteria: Invitae Variant Classification Sherloc (09022015). Collection method: clinical testing. Allele origin: germline.
Comment: This sequence change replaces alanine, which is neutral and non-polar, with valine, which is neutral and non-polar, at codon 850 of the CEP250 protein (p.Ala850Val). In summary, the available evidence is currently insufficient to determine the role of this variant in disease. Therefore, it has been classified as a Variant of Uncertain Significance. Algorithms developed to predict the effect of missense changes on protein structure and function are either unavailable or do not agree on the potential impact of this missense change (SIFT: "Not Available"; PolyPhen-2: "Probably Damaging"; Align-GVGD: "Not Available"). ClinVar contains an entry for this variant (Variation ID: 955451). This variant has not been reported in the literature in individuals affected with CEP250-related conditions. This variant is present in population databases (rs777598399, gnomAD 0.0009%).

NM_007186.6(CEP250):c.2549C>T (p.Ala850Val)

Genes: CEP250 (centrosomal protein 250; plus strand), CEP250-AS1 (CEP250 antisense RNA 1; minus strand). Cytogenetic location: 20q11.22.
Variant type: single nucleotide variant.
Coding change: c.2549C>T on transcript NM_007186.6 (MANE Select); coding-DNA position 2549, C replaced by T.
Protein change: p.Ala850Val; replaces alanine 850 with valine.
Molecular consequence: missense variant.
Genome position (GRCh38, 1-based): chr20:35,480,108, C>T. VCF-style: chr20-35480108-C-T. GRCh37 (hg19) VCF-style: chr20-34067933-C-T.
Other names: c.653C>T, p.Ala218Val (NM_001318219.1); short protein forms A218V, A850V.
Identifiers: ClinVar variation 955451 (VCV000955451.10), dbSNP rs777598399, ClinGen allele CA9833207.